The following is an entry in ClinVar:

NM_001903.5(CTNNA1):c.142T>C (p.Ser48Pro)

Gene: CTNNA1 (catenin alpha 1; plus strand). Cytogenetic location: 5q31.2.
Variant type: single nucleotide variant.
Coding change: c.142T>C on transcript NM_001903.5 (MANE Select); coding-DNA position 142, T replaced by C.
Protein change: p.Ser48Pro; replaces serine 48 with proline.
Molecular consequence: missense variant. On other transcripts: 5 prime UTR variant (1), intron variant (1).
Genome position (GRCh38, 1-based): chr5:138,783,213, T>C. VCF-style: chr5-138783213-T-C. GRCh37 (hg19) VCF-style: chr5-138118902-T-C.
Other names: c.142T>C, p.Ser48Pro (NM_001290307.3, NM_001323982.2, NM_001323983.1 and 3 more transcripts); c.-65T>C (NM_001290310.3); c.-9+1184T>C (NM_001290309.3); short protein forms S48P.
Identifiers: ClinVar variation 968186 (VCV000968186.9), dbSNP rs1755326643, ClinGen allele CA361477335.
Genomic context (GRCh38, chr5:138,783,213, plus strand): 5'-TAATGTTAAAAATGAAACTTTTAGGTTACAACCCTTGTAAACACCAATAGTAAAGGGCCC[T>C]CTAATAAGAAGAGAGGTCGTTCTAAGAAGGCCCATGTTTTGGCTGCATCTGTTGAACAAG-3'
Protein context (NP_001894.2, residues 38-58): TLVNTNSKGP[Ser48Pro]NKKRGRSKKA

ClinVar aggregate classification (germline): Uncertain significance (1 of 4 stars; one submission).

Submission:

Labcorp Genetics (formerly Invitae), Labcorp
Classification: Uncertain significance. Last evaluated: 2024-03-28. Review status: criteria provided, single submitter. Criteria: Invitae Variant Classification Sherloc (09022015). Collection method: clinical testing. Allele origin: germline.
Comment: This sequence change replaces serine, which is neutral and polar, with proline, which is neutral and non-polar, at codon 48 of the CTNNA1 protein (p.Ser48Pro). This variant is not present in population databases (gnomAD no frequency). This variant has not been reported in the literature in individuals affected with CTNNA1-related conditions. ClinVar contains an entry for this variant (Variation ID: 968186). Advanced modeling of protein sequence and biophysical properties (such as structural, functional, and spatial information, amino acid conservation, physicochemical variation, residue mobility, and thermodynamic stability) has been performed at Invitae for this missense variant, however the output from this modeling did not meet the statistical confidence thresholds required to predict the impact of this variant on CTNNA1 protein function. In summary, the available evidence is currently insufficient to determine the role of this variant in disease. Therefore, it has been classified as a Variant of Uncertain Significance.